The following is an entry in ClinVar:

NM_001367624.2(ZNF469):c.7453C>T (p.Pro2485Ser)

Gene: ZNF469 (zinc finger protein 469; plus strand). Cytogenetic location: 16q24.2.
Variant type: single nucleotide variant.
Coding change: c.7453C>T on transcript NM_001367624.2 (MANE Select); coding-DNA position 7453, C replaced by T.
Protein change: p.Pro2485Ser; replaces proline 2485 with serine.
Molecular consequence: missense variant.
Genome position (GRCh38, 1-based): chr16:88,434,923, C>T. VCF-style: chr16-88434923-C-T. GRCh37 (hg19) VCF-style: chr16-88501331-C-T.
Other names: NM_001127464.1:c.7369C>T; short protein forms P2485S.
Identifiers: ClinVar variation 3987363 (VCV003987363.1).

ClinVar aggregate classification (germline): Uncertain significance (1 of 4 stars; one submission).

Conditions:
Cardiovascular phenotype. Identifiers: MedGen CN230736.

gnomAD v4.1: 5 of 1,550,180 alleles (0.00032%); highest among the groups gnomAD compares: South Asian, 0.0059%; no homozygotes.

Submission:

Ambry Genetics
Classification: Uncertain significance for Cardiovascular phenotype. Last evaluated: 2025-05-26. Review status: criteria provided, single submitter. Criteria: Ambry Variant Classification Scheme 2023. Collection method: clinical testing. Allele origin: germline.
Comment: The p.P2457S variant (also known as c.7369C>T), located in coding exon 2 of the ZNF469 gene, results from a C to T substitution at nucleotide position 7369. The proline at codon 2457 is replaced by serine, an amino acid with similar properties. This amino acid position is conserved. In addition, this alteration is predicted to be tolerated by in silico analysis. Based on the available evidence, the clinical significance of this variant remains unclear.